The following is an entry in ClinVar:

NM_001377137.1(GBF1):c.184A>G (p.Asn62Asp)

Gene: GBF1 (golgi brefeldin A resistant guanine nucleotide exchange factor 1; plus strand). Cytogenetic location: 10q24.32.
Variant type: single nucleotide variant.
Coding change: c.184A>G on transcript NM_001377137.1 (MANE Select); coding-DNA position 184, A replaced by G.
Protein change: p.Asn62Asp; replaces asparagine 62 with aspartic acid.
Molecular consequence: missense variant. On other transcripts: non-coding transcript variant (5).
Genome position (GRCh38, 1-based): chr10:102,344,071, A>G. VCF-style: chr10-102344071-A-G. GRCh37 (hg19) VCF-style: chr10-104103828-A-G.
Other names: p.Asn62Asp; c.184A>G, p.Asn62Asp (NM_001199379.2, NM_001377138.1, NM_001377139.1 and 16 more transcripts); short protein forms N62D.
Identifiers: ClinVar variation 4541580 (VCV004541580.1).
Genomic context (GRCh38, chr10:102,344,071, plus strand): 5'-CTTAGATGATACCTCTTCATTTCTGTGTATTTTCTTGCAGAACTCTCAGAAATTGAGCCC[A>G]ATGTATTCCTTCGACCTTTTCTGGAAGTGATTCGCTCTGAAGATACCACTGGCCCTATCA-3'
Protein context (NP_001364066.1, residues 52-72): SITELSEIEP[Asn62Asp]VFLRPFLEVI

ClinVar aggregate classification (germline): Uncertain significance (1 of 4 stars; one submission).

Submission:

Mayo Clinic Laboratories, Mayo Clinic
Classification: Uncertain significance. Last evaluated: 2025-04-03. Review status: criteria provided, single submitter. Criteria: ACMG Guidelines, 2015. Collection method: clinical testing. Allele origin: germline. Observed: 1 variant allele.
Comment: BP4, PM2_supporting